The following is an entry in ClinVar:

NM_033656.4(BRWD1):c.6696T>G (p.Leu2232=)

Gene: BRWD1 (bromodomain and WD repeat domain containing 1; minus strand). Cytogenetic location: 21q22.2.
Variant type: single nucleotide variant.
Coding change: c.6696T>G on transcript NM_033656.4 (MANE Select); coding-DNA position 6696, T replaced by G.
Protein change: p.Leu2232=; no amino-acid change (leucine 2232 retained).
Molecular consequence: synonymous variant. On other transcripts: intron variant (1).
Genome position (GRCh38, 1-based): chr21:39,196,373, A>C on the plus strand (T>G on the coding strand, the complement: BRWD1 is on the minus strand). VCF-style: chr21-39196373-A-C. GRCh37 (hg19) VCF-style: chr21-40568299-A-C.
Other names: c.6571+125T>G (NM_018963.5).
Identifiers: ClinVar variation 2652664 (VCV002652664.24), dbSNP rs374352695, ClinGen allele CA10026274.

ClinVar aggregate classification (germline): Likely benign (1 of 4 stars; one submission).

Allele frequency attached by ClinVar (database versions not stated): ExAC 0.00001; gnomAD 0.00001; gnomAD exomes 0.00001; TOPMed 0.00002; ESP Exome Variant Server 0.00008.
gnomAD v4.1: 5 of 1,613,652 alleles (0.00031%); highest among the groups gnomAD compares: African/African-American, 0.0013%; no homozygotes.

Submission:

CeGaT Center for Human Genetics Tuebingen
Classification: Likely benign. Last evaluated: 2022-03-01. Review status: criteria provided, single submitter. Criteria: CeGaT Center For Human Genetics Tuebingen Variant Classification Criteria Version 2. Collection method: clinical testing. Allele origin: germline. Affected: yes. Observed: 1 variant allele.
Comment: BRWD1: BP4, BP7